The following is an entry in ClinVar:

ClinVar aggregate classification (germline): Uncertain significance (1 of 4 stars; one submission).

Allele frequency attached by ClinVar (database versions not stated): gnomAD exomes below 0.00001 and 0.00001; TOPMed 0.00001.
gnomAD v4.1: 3 of 1,614,154 alleles (0.00019%); highest among the groups gnomAD compares: Admixed American, 0.0033%; no homozygotes.

Submission:

GeneDx
Classification: Uncertain significance. Last evaluated: 2019-12-11. Review status: criteria provided, single submitter. Criteria: GeneDx Variant Classification Process June 2021. Collection method: clinical testing. Allele origin: germline. Affected: yes.
Comment: In silico analysis, which includes protein predictors and evolutionary conservation, supports a deleterious effect; Has not been previously published as pathogenic or benign to our knowledge

NM_001242896.3(DEPDC5):c.4504T>C (p.Tyr1502His)

Gene: DEPDC5 (DEP domain containing 5, GATOR1 subcomplex subunit; plus strand). Cytogenetic location: 22q12.3.
Variant type: single nucleotide variant.
Coding change: c.4504T>C on transcript NM_001242896.3 (MANE Select); coding-DNA position 4504, T replaced by C.
Protein change: p.Tyr1502His; replaces tyrosine 1502 with histidine.
Molecular consequence: missense variant. On other transcripts: non-coding transcript variant (5).
Genome position (GRCh38, 1-based): chr22:31,906,051, T>C. VCF-style: chr22-31906051-T-C. GRCh37 (hg19) VCF-style: chr22-32302037-T-C.
Other names: c.4477T>C, p.Tyr1493His (NM_001136029.4); c.4204T>C, p.Tyr1402His (NM_001242897.2); c.4438T>C, p.Tyr1480His (NM_001363852.2, NM_001364320.2); c.4270T>C, p.Tyr1424His (NM_001363854.2, NM_001364319.2); c.4504T>C, p.Tyr1502His (NM_001364318.2); c.4420T>C, p.Tyr1474His (NM_001369901.1, NM_001369902.1); c.4411T>C, p.Tyr1471His (NM_001369903.1, NM_014662.6); short protein forms Y1402H, Y1502H, Y1424H, Y1471H, Y1493H, Y1474H, Y1480H.
Identifiers: ClinVar variation 423855 (VCV000423855.4), dbSNP rs1064796662, ClinGen allele CA16621115.